The following is an entry in ClinVar:

NM_002470.4(MYH3):c.1285T>C (p.Ser429Pro)

Gene: MYH3 (myosin heavy chain 3; minus strand). Cytogenetic location: 17p13.1.
Variant type: single nucleotide variant.
Coding change: c.1285T>C on transcript NM_002470.4 (MANE Select); coding-DNA position 1285, T replaced by C.
Protein change: p.Ser429Pro; replaces serine 429 with proline.
Molecular consequence: missense variant.
Genome position (GRCh38, 1-based): chr17:10,644,476, A>G on the plus strand (T>C on the coding strand, the complement: MYH3 is on the minus strand). VCF-style: chr17-10644476-A-G. GRCh37 (hg19) VCF-style: chr17-10547793-A-G.
Other names: short protein forms S429P.
Identifiers: ClinVar variation 4808159 (VCV004808159.1).

ClinVar aggregate classification (germline): Uncertain significance (1 of 4 stars; one submission).

gnomAD v4.1: 1 of 1,614,222 alleles (0.000062%); highest among the groups gnomAD compares: Admixed American, 0.0017%; no homozygotes.

Submission:

Labcorp Genetics (formerly Invitae), Labcorp
Classification: Uncertain significance. Last evaluated: 2025-09-25. Review status: criteria provided, single submitter. Criteria: Invitae Variant Classification Sherloc (09022015). Collection method: clinical testing. Allele origin: germline.
Comment: This sequence change replaces serine, which is neutral and polar, with proline, which is neutral and non-polar, at codon 429 of the MYH3 protein (p.Ser429Pro). This variant is not present in population databases (gnomAD no frequency). This variant has not been reported in the literature in individuals affected with MYH3-related conditions. Invitae Evidence Modeling of protein sequence and biophysical properties (such as structural, functional, and spatial information, amino acid conservation, physicochemical variation, residue mobility, and thermodynamic stability) indicates that this missense variant is not expected to disrupt MYH3 protein function with a negative predictive value of 95%. In summary, the available evidence is currently insufficient to determine the role of this variant in disease. Therefore, it has been classified as a Variant of Uncertain Significance.